The following is an entry in ClinVar:

NM_002519.3(NPAT):c.905C>T (p.Pro302Leu)

Gene: NPAT (nuclear protein, coactivator of histone transcription; minus strand). Cytogenetic location: 11q22.3.
Variant type: single nucleotide variant.
Coding change: c.905C>T on transcript NM_002519.3 (MANE Select); coding-DNA position 905, C replaced by T.
Protein change: p.Pro302Leu; replaces proline 302 with leucine.
Molecular consequence: missense variant.
Genome position (GRCh38, 1-based): chr11:108,185,233, G>A on the plus strand (C>T on the coding strand, the complement: NPAT is on the minus strand). VCF-style: chr11-108185233-G-A. GRCh37 (hg19) VCF-style: chr11-108055960-G-A.
Other names: c.905C>T, p.Pro302Leu (NM_001321307.1); short protein forms P302L.
Identifiers: ClinVar variation 3222653 (VCV003222653.1), dbSNP rs2078095286, ClinGen allele CA382519541.
Genomic context (GRCh38, chr11:108,185,233, plus strand): 5'-CCATCAATCTTAAGTATAAGTAACACACACGCACCCATGCACACCCCAACCACCCATACC[G>A]GAAGTCCTAGGAATTCATCAATTGAAGTCTCTGGCTCCGTAGGGTTGTTATCTGTTTGCT-3'
Protein context (NP_002510.2, residues 292-312): ETSIDEFLGL[Pro302Leu]SEIHMSEEAI

ClinVar aggregate classification (germline): Uncertain significance (1 of 4 stars; one submission).

Allele frequency attached by ClinVar (database versions not stated): TOPMed 0.00001.

Submission:

Ambry Genetics
Classification: Uncertain significance. Last evaluated: 2023-09-17. Review status: criteria provided, single submitter. Criteria: Ambry Variant Classification Scheme 2023. Collection method: clinical testing. Allele origin: germline.
Comment: The p.P302L variant (also known as c.905C>T), located in coding exon 10 of the NPAT gene, results from a C to T substitution at nucleotide position 905. The proline at codon 302 is replaced by leucine, an amino acid with similar properties. This amino acid position is conserved. In addition, this alteration is predicted to be tolerated by in silico analysis. Since supporting evidence is limited at this time, the clinical significance of this alteration remains unclear.